The following is an entry in ClinVar:

NM_025179.4(PLXNA2):c.1323C>G (p.Asn441Lys)

Gene: PLXNA2 (plexin A2; minus strand). Cytogenetic location: 1q32.2.
Variant type: single nucleotide variant.
Coding change: c.1323C>G on transcript NM_025179.4 (MANE Select); coding-DNA position 1323, C replaced by G.
Protein change: p.Asn441Lys; replaces asparagine 441 with lysine.
Molecular consequence: missense variant.
Genome position (GRCh38, 1-based): chr1:208,210,328, G>C on the plus strand (C>G on the coding strand, the complement: PLXNA2 is on the minus strand). VCF-style: chr1-208210328-G-C. GRCh37 (hg19) VCF-style: chr1-208383673-G-C.
Other names: short protein forms N441K.
Identifiers: ClinVar variation 4984970 (VCV004984970.1).
Genomic context (GRCh38, chr1:208,210,328, plus strand): 5'-ATAGACTCTTACCTTTTTCAGCTTGCCACTCTTAGTCCCCACAAAAACCACGCTGTAGCC[G>C]TTGTAAACGTAGGAGGCCACAGAGGTCATGCGGTCCCTGCTGGTGGTGTACAGGGTCAGG-3'
Protein context (NP_079455.3, residues 431-451): RMTSVASYVY[Asn441Lys]GYSVVFVGTK

ClinVar aggregate classification (germline): Uncertain significance (1 of 4 stars; one submission).

Conditions:
PLXNA2-related disorder. Also called: PLXNA2-related condition.

gnomAD v4.1: 1 of 1,613,936 alleles (0.000062%); highest among the groups gnomAD compares: Non-Finnish European, 0.000085%; no homozygotes.

Submission:

PreventionGenetics, part of Exact Sciences
Classification: Uncertain significance for PLXNA2-related condition. Last evaluated: 2026-03-09. Review status: criteria provided, single submitter. Criteria: ACMG Guidelines, 2015. Collection method: clinical testing. Allele origin: germline.
Comment: The PLXNA2 c.1323C>G variant is predicted to result in the amino acid substitution p.Asn441Lys. To our knowledge, this variant has not been reported in the literature. This variant is reported in 0.0018% of alleles in individuals of European (Non-Finnish) descent in gnomAD. At this time, the clinical significance of this variant is uncertain due to the absence of conclusive functional and genetic evidence.